The following is an entry in ClinVar:

ClinVar aggregate classification (germline): Benign. Review status: criteria provided, multiple submitters, no conflicts (2 of 4 stars). 3 submissions from 3 submitters: Benign (2). 1 of the submissions does not count toward it. Last evaluated 2025-09-15.

Conditions:
FYCO1-related disorder. Also called: FYCO1-related condition.
Cataract 18 (CATC2). Also called: CATARACT 18, AUTOSOMAL RECESSIVE. Identifiers: Orphanet 91492, Orphanet 98991, Orphanet 98992, Orphanet 98995, MedGen C1864908, MONDO:0012395, OMIM 610019.

Allele frequency attached by ClinVar (database versions not stated): gnomAD 0.00041 and 0.00057; ESP Exome Variant Server 0.00046; TOPMed 0.00077; ExAC 0.00118; gnomAD exomes 0.00121; 1000 Genomes Project 30x 0.00359; 1000 Genomes Project 0.00379.
gnomAD v4.1: 601 of 1,614,122 alleles (0.037%); highest among the groups gnomAD compares: East Asian, 0.98%; 3 homozygotes.

Submissions (3):

Labcorp Genetics (formerly Invitae), Labcorp
Classification: Benign for Cataract 18. Last evaluated: 2025-09-15. Review status: criteria provided, single submitter. Criteria: Invitae Variant Classification Sherloc (09022015). Collection method: clinical testing. Allele origin: germline.

Illumina Laboratory Services, Illumina
Classification: Benign for Cataract 18. Last evaluated: 2018-01-12. Review status: criteria provided, single submitter. Criteria: ICSL Variant Classification Criteria 13 December 2019. Collection method: clinical testing. Allele origin: germline.
Comment: This variant was observed in the ICSL laboratory as part of a predisposition screen in an ostensibly healthy population. It had not been previously curated by ICSL or reported in the Human Gene Mutation Database (HGMD: prior to June 1st, 2018), and was therefore a candidate for classification through an automated scoring system. Utilizing variant allele frequency, disease prevalence and penetrance estimates, and inheritance mode, an automated score was calculated to assess if this variant is too frequent to cause the disease. Based on the score and internal cut-off values, a variant classified as benign is not then subjected to further curation. The score for this variant resulted in a classification of benign for this disease.

PreventionGenetics, part of Exact Sciences
Classification: Benign for FYCO1-related condition. Last evaluated: 2019-07-31. Review status: no assertion criteria provided. Collection method: clinical testing. Allele origin: germline. Not counted in ClinVar's aggregate classification.
Comment: This variant is classified as benign based on ACMG/AMP sequence variant interpretation guidelines (Richards et al. 2015 PMID: 25741868, with internal and published modifications).

NM_024513.4(FYCO1):c.713A>C (p.Glu238Ala)

Gene: FYCO1 (FYVE and coiled-coil domain autophagy adaptor 1; minus strand). Cytogenetic location: 3p21.31.
Variant type: single nucleotide variant.
Coding change: c.713A>C on transcript NM_024513.4 (MANE Select); coding-DNA position 713, A replaced by C.
Protein change: p.Glu238Ala; replaces glutamic acid 238 with alanine.
Molecular consequence: missense variant.
Genome position (GRCh38, 1-based): chr3:45,968,621, T>G on the plus strand (A>C on the coding strand, the complement: FYCO1 is on the minus strand). VCF-style: chr3-45968621-T-G. GRCh37 (hg19) VCF-style: chr3-46010113-T-G.
Other names: short protein forms E238A.
Identifiers: ClinVar variation 345539 (VCV000345539.13), dbSNP rs117543659, ClinGen allele CA2353389.